The following is an entry in ClinVar:

ClinVar aggregate classification (germline): Uncertain significance. Review status: criteria provided, multiple submitters, no conflicts (2 of 4 stars). 2 submissions from 2 submitters: Uncertain significance (2). Last evaluated 2024-01-30.

Conditions:
Fanconi anemia complementation group P. Also called: SLX4-Related Fanconi Anemia. Identifiers: Orphanet 84, MedGen C3469542, MONDO:0013499, OMIM 613951.
Fanconi anemia (FA). Also called: Fanconi's anemia. Identifiers: Orphanet 84, MedGen C0015625, MeSH D005199, MONDO:0019391.

Submissions (2):

Fulgent Genetics
Classification: Uncertain significance for Fanconi anemia complementation group P. Last evaluated: 2024-01-30. Review status: criteria provided, single submitter. Criteria: ACMG Guidelines, 2015. Collection method: clinical testing. Allele origin: germline.

Labcorp Genetics (formerly Invitae), Labcorp
Classification: Uncertain significance for Fanconi anemia. Last evaluated: 2022-04-04. Review status: criteria provided, single submitter. Criteria: Invitae Variant Classification Sherloc (09022015). Collection method: clinical testing. Allele origin: germline.
Comment: This variant is not present in population databases (gnomAD no frequency). This variant has not been reported in the literature in individuals affected with SLX4-related conditions. Algorithms developed to predict the effect of missense changes on protein structure and function (SIFT, PolyPhen-2, Align-GVGD) all suggest that this variant is likely to be tolerated. In summary, the available evidence is currently insufficient to determine the role of this variant in disease. Therefore, it has been classified as a Variant of Uncertain Significance. This sequence change replaces methionine, which is neutral and non-polar, with isoleucine, which is neutral and non-polar, at codon 1530 of the SLX4 protein (p.Met1530Ile).

NM_032444.4(SLX4):c.4590G>T (p.Met1530Ile)

Gene: SLX4 (SLX4 structure-specific endonuclease subunit; minus strand). Cytogenetic location: 16p13.3.
Variant type: single nucleotide variant.
Coding change: c.4590G>T on transcript NM_032444.4 (MANE Select); coding-DNA position 4590, G replaced by T.
Protein change: p.Met1530Ile; replaces methionine 1530 with isoleucine.
Molecular consequence: missense variant.
Genome position (GRCh38, 1-based): chr16:3,589,048, C>A on the plus strand (G>T on the coding strand, the complement: SLX4 is on the minus strand). VCF-style: chr16-3589048-C-A. GRCh37 (hg19) VCF-style: chr16-3639049-C-A.
Other names: short protein forms M1530I.
Identifiers: ClinVar variation 1938560 (VCV001938560.6), dbSNP rs147315419, ClinGen allele CA276958017.